The following is an entry in ClinVar:

NM_005902.4(SMAD3):c.1009G>T (p.Gly337Ter)

Gene: SMAD3 (SMAD family member 3; plus strand). Cytogenetic location: 15q22.33.
Variant type: single nucleotide variant.
Coding change: c.1009G>T on transcript NM_005902.4 (MANE Select); coding-DNA position 1009, G replaced by T.
Protein change: p.Gly337Ter; replaces glycine 337 with a stop codon.
Molecular consequence: nonsense.
Genome position (GRCh38, 1-based): chr15:67,184,864, G>T. VCF-style: chr15-67184864-G-T. GRCh37 (hg19) VCF-style: chr15-67477202-G-T.
Other names: c.877G>T, p.Gly293Ter (NM_001145103.2); c.694G>T, p.Gly232Ter (NM_001145102.2); c.424G>T, p.Gly142Ter (NM_001145104.2); short protein forms G337*, G232*, G142*, G293*.
Identifiers: ClinVar variation 573480 (VCV000573480.7), dbSNP rs1567002115, ClinGen allele CA392957396.

ClinVar aggregate classification (germline): Pathogenic (1 of 4 stars; one submission).

Conditions:
Familial thoracic aortic aneurysm and aortic dissection (TAAD). Also called: Thoracic aortic aneurysms and dissections. Identifiers: Orphanet 91387, MedGen C4707243, MONDO:0019625.

Submission:

Labcorp Genetics (formerly Invitae), Labcorp
Classification: Pathogenic for Familial thoracic aortic aneurysm and aortic dissection. Last evaluated: 2018-06-26. Review status: criteria provided, single submitter. Criteria: Invitae Variant Classification Sherloc (09022015). Collection method: clinical testing. Allele origin: germline.
Comment: For these reasons, this variant has been classified as Pathogenic. Loss-of-function variants in SMAD3 are known to be pathogenic (PMID: 21778426, 24804794). This variant is not present in population databases (ExAC no frequency). This sequence change creates a premature translational stop signal (p.Gly337*) in the SMAD3 gene. It is expected to result in an absent or disrupted protein product.

Literature cited by the submitters: PubMed 21778426; PubMed 24804794.